The following is an entry in ClinVar:

NM_144573.4(NEXN):c.1252-10T>G

Gene: NEXN (nexilin F-actin binding protein; plus strand). Cytogenetic location: 1p31.1.
Variant type: single nucleotide variant.
Coding change: c.1252-10T>G on transcript NM_144573.4 (MANE Select); 10 bases into the intron before coding-DNA position 1252, T replaced by G.
Molecular consequence: intron variant.
Genome position (GRCh38, 1-based): chr1:77,935,813, T>G. VCF-style: chr1-77935813-T-G. GRCh37 (hg19) VCF-style: chr1-78401498-T-G.
Other names: p.?; c.1060-10T>G (NM_001172309.2).
Identifiers: ClinVar variation 178878 (VCV000178878.25), dbSNP rs201019553, ClinGen allele CA183212.
Genomic context (GRCh38, chr1:77,935,813, plus strand): 5'-GGCCAGCCTTGGCAACATAGTGAGACTCTCTCAAAAACAGCAGCAACAAACTTATTAATT[T>G]TTTTTGAAGGAAGAGGAAGAAAATGAAACCTTTGGATTGAGCAGAGAATATGAAGAACTG-3'

ClinVar aggregate classification (germline): Benign/Likely benign. Review status: criteria provided, multiple submitters, no conflicts (2 of 4 stars). 9 submissions from 9 submitters: Benign (3); Likely benign (5). 1 of the submissions does not count toward it. Last evaluated 2026-09-21.

Conditions:
NEXN-related disorder. Also called: NEXN-related condition; NEXN-related disorders.
Dilated cardiomyopathy 1CC (CMD1CC). Identifiers: Orphanet 154, MedGen C2751084, MONDO:0013147, OMIM 613122.
Hypertrophic cardiomyopathy 20. Identifiers: MedGen C3151267, MONDO:0013477, OMIM 613876.
Cardiomyopathy (CMYO). Also called: Cardiomyopathies. Identifiers: Orphanet 167848, MedGen C0878544, MONDO:0004994, HP:0001638. Inheritance: Various modes of inheritance.

Allele frequency attached by ClinVar (database versions not stated): 1000 Genomes Project 0.00020; gnomAD exomes 0.00020; gnomAD 0.00082 and 0.00088; ExAC 0.00025; TOPMed 0.00094; 1000 Genomes Project 30x 0.00016; ESP Exome Variant Server 0.00051.
gnomAD v4.1: 252 of 1,608,226 alleles (0.016%); highest among the groups gnomAD compares: African/African-American, 0.31%; no homozygotes.

Submissions (10):

Molecular Diagnostic Laboratory for Inherited Cardiovascular Disease, Montreal Heart Institute
Classification: Likely benign. Last evaluated: 2026-09-21. Review status: criteria provided, single submitter. Criteria: ACMG Guidelines, 2015. Collection method: clinical testing. Allele origin: germline. Affected: no.
Comment: BS1

Women's Health and Genetics/Laboratory Corporation of America, LabCorp
Classification: Benign. Last evaluated: 2026-05-18. Review status: criteria provided, single submitter. Criteria: LabCorp Variant Classification Summary - May 2015. Collection method: clinical testing. Allele origin: germline.

Labcorp Genetics (formerly Invitae), Labcorp
Classification: Benign for Dilated cardiomyopathy 1CC; Hypertrophic cardiomyopathy 20. Last evaluated: 2025-12-01. Review status: criteria provided, single submitter. Criteria: Invitae Variant Classification Sherloc (09022015). Collection method: clinical testing. Allele origin: germline.

Mayo Clinic Laboratories, Mayo Clinic
Classification: Likely benign. Last evaluated: 2025-02-13. Review status: criteria provided, single submitter. Criteria: ACMG Guidelines, 2015. Collection method: clinical testing. Allele origin: germline. Observed: 1 variant allele.
Comment: BS1, BP4, BP7

CHEO Genetics Diagnostic Laboratory, Children's Hospital of Eastern Ontario
Classification: Benign for Cardiomyopathy. Last evaluated: 2021-10-18. Review status: criteria provided, single submitter. Criteria: ACMG Guidelines, 2015. Collection method: clinical testing. Allele origin: germline.

Blueprint Genetics
Classification: Likely benign. Last evaluated: 2020-10-01. Review status: criteria provided, single submitter. Criteria: ACMG Guidelines, 2015. Collection method: clinical testing. Allele origin: germline.

GeneDx
Classification: Likely benign. Last evaluated: 2020-01-29. Review status: criteria provided, single submitter. Criteria: GeneDx Variant Classification Process June 2021. Collection method: clinical testing. Allele origin: germline. Affected: yes.

Laboratory for Molecular Medicine, Mass General Brigham Personalized Medicine
Classification: Likely benign. Last evaluated: 2016-08-23. Review status: criteria provided, single submitter. Criteria: LMM Criteria. Collection method: clinical testing. Allele origin: germline. Observed: 2 variant alleles.
Comment: c.1252-10T>G in intron 10 of NEXN: This variant is not expected to have clinical significance because it is not located within the splice consensus sequence. I t has been identified in 0.3% (28/8484) of African chromosomes by the Exome Aggr egation Consortium (ExAC; dbSNP rs201019553).

PreventionGenetics, part of Exact Sciences
Classification: Likely benign for NEXN-related condition. Last evaluated: 2022-02-24. Review status: no assertion criteria provided. Collection method: clinical testing. Allele origin: germline. Not counted in ClinVar's aggregate classification.
Comment: This variant is classified as likely benign based on ACMG/AMP sequence variant interpretation guidelines (Richards et al. 2015 PMID: 25741868, with internal and published modifications).

Dr. Peter K. Rogan Lab, Western University
No classification provided (evidence only). Condition: Sarcoma. Review status: no classification provided. Collection method: in vitro. Allele origin: not applicable. Functional consequence: skipped exon, retained intron. Not counted in ClinVar's aggregate classification.